The following is an entry in ClinVar:

ClinVar aggregate classification (germline): Uncertain significance (1 of 4 stars; one submission).

Conditions:
Spondylocostal dysostosis 3, autosomal recessive (SCDO3). Also called: LFNG-Related Spondylocostal Dysostosis, Autosomal Recessive. Identifiers: Orphanet 2311, MedGen C1853296, MONDO:0012349, OMIM 609813.

Allele frequency attached by ClinVar (database versions not stated): gnomAD 0.00004 and 0.00005; gnomAD exomes 0.00005 and 0.00008; ExAC 0.00006; TOPMed 0.00012.
gnomAD v4.1: 77 of 1,612,594 alleles (0.0048%); highest among the groups gnomAD compares: East Asian, 0.076%; no homozygotes.

Submission:

Labcorp Genetics (formerly Invitae), Labcorp
Classification: Uncertain significance for Spondylocostal dysostosis 3, autosomal recessive. Last evaluated: 2022-08-31. Review status: criteria provided, single submitter. Criteria: Invitae Variant Classification Sherloc (09022015). Collection method: clinical testing. Allele origin: germline.
Comment: This sequence change replaces arginine, which is basic and polar, with histidine, which is basic and polar, at codon 375 of the LFNG protein (p.Arg375His). This variant is present in population databases (rs770669804, gnomAD 0.05%). This variant has not been reported in the literature in individuals affected with LFNG-related conditions. ClinVar contains an entry for this variant (Variation ID: 1059562). Algorithms developed to predict the effect of missense changes on protein structure and function output the following: SIFT: "Tolerated"; PolyPhen-2: "Benign"; Align-GVGD: "Class C0". The histidine amino acid residue is found in multiple mammalian species, which suggests that this missense change does not adversely affect protein function. In summary, the available evidence is currently insufficient to determine the role of this variant in disease. Therefore, it has been classified as a Variant of Uncertain Significance.

NM_001040167.2(LFNG):c.1124G>A (p.Arg375His)

Gene: LFNG (LFNG O-fucosylpeptide 3-beta-N-acetylglucosaminyltransferase; plus strand). Cytogenetic location: 7p22.3.
Variant type: single nucleotide variant.
Coding change: c.1124G>A on transcript NM_001040167.2 (MANE Select); coding-DNA position 1124, G replaced by A.
Protein change: p.Arg375His; replaces arginine 375 with histidine.
Molecular consequence: missense variant. On other transcripts: intron variant (1).
Genome position (GRCh38, 1-based): chr7:2,527,196, G>A. VCF-style: chr7-2527196-G-A. GRCh37 (hg19) VCF-style: chr7-2566830-G-A.
Other names: c.911G>A, p.Arg304His (NM_001166355.2); c.737G>A, p.Arg246His (NM_002304.3); c.1073+275G>A (NM_001040168.2); short protein forms R246H, R304H, R375H.
Identifiers: ClinVar variation 1059562 (VCV001059562.4), dbSNP rs770669804, ClinGen allele CA4127326.